The following is an entry in ClinVar:

ClinVar aggregate classification (germline): Uncertain significance (1 of 4 stars; one submission).

Submission:

Ambry Genetics
Classification: Uncertain significance. Last evaluated: 2024-04-17. Review status: criteria provided, single submitter. Criteria: Ambry Variant Classification Scheme 2023. Collection method: clinical testing. Allele origin: germline.
Comment: The p.A279G variant (also known as c.836C>G), located in coding exon 3 of the ALPK2 gene, results from a C to G substitution at nucleotide position 836. The alanine at codon 279 is replaced by glycine, an amino acid with similar properties. This amino acid position is conserved. In addition, this alteration is predicted to be tolerated by in silico analysis. Based on the available evidence, the clinical significance of this variant remains unclear.

NM_052947.4(ALPK2):c.836C>G (p.Ala279Gly)

Genes: ALPK2 (alpha kinase 2; minus strand), LOC114803473 (ALPK2 eExon liver enhancer; plus strand). Cytogenetic location: 18q21.31.
Variant type: single nucleotide variant.
Coding change: c.836C>G on transcript NM_052947.4 (MANE Select); coding-DNA position 836, C replaced by G.
Protein change: p.Ala279Gly; replaces alanine 279 with glycine.
Molecular consequence: missense variant.
Genome position (GRCh38, 1-based): chr18:58,579,940, G>C on the plus strand (C>G on the coding strand, the complement: ALPK2 is on the minus strand). VCF-style: chr18-58579940-G-C. GRCh37 (hg19) VCF-style: chr18-56247172-G-C.
Other names: short protein forms A279G.
Identifiers: ClinVar variation 3290116 (VCV003290116.1).